The following is an entry in ClinVar:

ClinVar aggregate classification (germline): Uncertain significance (1 of 4 stars; one submission).

Conditions:
Dyskeratosis congenita. Identifiers: Orphanet 1775, MedGen C0265965, MONDO:0015780.

Allele frequency attached by ClinVar (database versions not stated): gnomAD exomes below 0.00001; gnomAD 0.00001; TOPMed 0.00001; ESP Exome Variant Server 0.00008.
gnomAD v4.1: 3 of 1,614,052 alleles (0.00019%); highest among the groups gnomAD compares: African/African-American, 0.0013%; no homozygotes.

Submission:

Labcorp Genetics (formerly Invitae), Labcorp
Classification: Uncertain significance for Dyskeratosis congenita. Last evaluated: 2022-12-27. Review status: criteria provided, single submitter. Criteria: Invitae Variant Classification Sherloc (09022015). Collection method: clinical testing. Allele origin: germline.
Comment: In summary, the available evidence is currently insufficient to determine the role of this variant in disease. Therefore, it has been classified as a Variant of Uncertain Significance. Advanced modeling of protein sequence and biophysical properties (such as structural, functional, and spatial information, amino acid conservation, physicochemical variation, residue mobility, and thermodynamic stability) performed at Invitae indicates that this missense variant is not expected to disrupt CTC1 protein function. This variant has not been reported in the literature in individuals affected with CTC1-related conditions. This variant is not present in population databases (gnomAD no frequency). This sequence change replaces proline, which is neutral and non-polar, with serine, which is neutral and polar, at codon 105 of the CTC1 protein (p.Pro105Ser).

NM_025099.6(CTC1):c.313C>T (p.Pro105Ser)

Gene: CTC1 (CST telomere replication complex component 1; minus strand). Cytogenetic location: 17p13.1.
Variant type: single nucleotide variant.
Coding change: c.313C>T on transcript NM_025099.6 (MANE Select); coding-DNA position 313, C replaced by T.
Protein change: p.Pro105Ser; replaces proline 105 with serine.
Molecular consequence: missense variant. On other transcripts: non-coding transcript variant (1).
Genome position (GRCh38, 1-based): chr17:8,238,514, G>A on the plus strand (C>T on the coding strand, the complement: CTC1 is on the minus strand). VCF-style: chr17-8238514-G-A. GRCh37 (hg19) VCF-style: chr17-8141832-G-A.
Other names: c.313C>T, p.Pro105Ser (NM_001411067.1); short protein forms P105S.
Identifiers: ClinVar variation 1969427 (VCV001969427.3), dbSNP rs375151194, ClinGen allele CA287539392.